The following is an entry in ClinVar:

ClinVar aggregate classification (germline): Pathogenic/Likely pathogenic. Review status: criteria provided, multiple submitters, no conflicts (2 of 4 stars). 12 submissions from 12 submitters: Pathogenic (6); Likely pathogenic (6). Last evaluated 2026-09-04.

Conditions:
Loeys-Dietz syndrome 1 (LDS1). Also called: AORTIC ANEURYSM, FAMILIAL THORACIC 5; TGFBR1-Related Loeys-Dietz Syndrome; FURLONG SYNDROME. Identifiers: Orphanet 60030, MedGen C4551955, MONDO:0012212, OMIM 609192.
Multiple self-healing squamous epithelioma (MSSE). Also called: MULTIPLE SELF-HEALING SQUAMOUS EPITHELIOMA, SUSCEPTIBILITY TO. Identifiers: Orphanet 65748, MedGen C0546476, MONDO:0007566, OMIM 132800.
TGFBR1-related disorder. Also called: TGFBR1-related condition.
Familial aortopathy. Identifiers: MedGen CN078214.
Loeys-Dietz syndrome (LDS). Identifiers: Orphanet 60030, MedGen C2697932, MONDO:0018954.
Familial thoracic aortic aneurysm and aortic dissection (TAAD). Also called: Thoracic aortic aneurysms and dissections. Identifiers: Orphanet 91387, MedGen C4707243, MONDO:0019625.

Allele frequency attached by ClinVar (database versions not stated): gnomAD exomes below 0.00001; ExAC 0.00001; gnomAD 0.00001.
gnomAD v4.1: 3 of 1,613,894 alleles (0.00019%); highest among the groups gnomAD compares: Non-Finnish European, 0.000085%; no homozygotes.

Submissions 1 to 8 of 12:

GeneDx
Classification: Likely pathogenic. Last evaluated: 2026-09-04. Review status: criteria provided, single submitter. Criteria: GeneDx Variant Classification Process June 2021. Collection method: clinical testing. Allele origin: germline.
Comment: In silico analysis supports that this missense variant has a deleterious effect on protein structure/function; Not observed at significant frequency in large population cohorts (gnomAD); This variant is associated with the following publications: (PMID: 31915033, 26877057, 26848186, 17061023, 30739908, 19542084, 27879313, 36237225, 40923070, 39130808, 16799921)

Labcorp Genetics (formerly Invitae), Labcorp
Classification: Pathogenic for Familial thoracic aortic aneurysm and aortic dissection. Last evaluated: 2025-12-16. Review status: criteria provided, single submitter. Criteria: Invitae Variant Classification Sherloc (09022015). Collection method: clinical testing. Allele origin: germline.
Comment: This sequence change replaces glycine, which is neutral and non-polar, with serine, which is neutral and polar, at codon 312 of the TGFBR1 protein (p.Gly312Ser). This variant is present in population databases (rs760079636, gnomAD 0.004%). This missense change has been observed in individuals with thoracic aortic aneurysm and dissection and/or clinical features of Loeys-Dietz syndrome (PMID: 16799921, 19542084, 26848186, 26877057, 30739908). It has also been observed to segregate with disease in related individuals. ClinVar contains an entry for this variant (Variation ID: 213882). Invitae Evidence Modeling of protein sequence and biophysical properties (such as structural, functional, and spatial information, amino acid conservation, physicochemical variation, residue mobility, and thermodynamic stability) indicates that this missense variant is expected to disrupt TGFBR1 protein function with a positive predictive value of 80%. For these reasons, this variant has been classified as Pathogenic.

Ambry Genetics
Classification: Pathogenic for Familial thoracic aortic aneurysm and aortic dissection. Last evaluated: 2025-12-09. Review status: criteria provided, single submitter. Criteria: Ambry Variant Classification Scheme 2023. Collection method: clinical testing. Allele origin: germline.
Comment: The p.G312S pathogenic mutation (also known as c.934G>A), located in coding exon 5 of the TGFBR1 gene, results from a G to A substitution at nucleotide position 934. The glycine at codon 312 is replaced by serine, an amino acid with similar properties. This variant was identified in one or more individuals with features consistent with Loeys-Dietz syndrome and segregated with disease in at least one family (Singh KK et al. Hum. Mutat., 2006 Aug;27:770-7; Luo M et al. Clin. Chim. Acta, 2016 May;456:144-8;Teixid&oacute;-Tura G et al. Heart, 2016 Apr;102:626-32; Tran-Fadulu V et al. J. Med. Genet., 2009 Sep;46:607-13; Nickol JL et al. Eur Heart J Case Rep. 2022 Oct;6(10):ytac383; Ambry internal data). Internal structural analysis indicates that G312 resides in the protein kinase domain and this variant would disrupt the protein structure (Huse M et al. Cell. 1999 Feb;96(3):425-36; Ambry internal data). This amino acid position is highly conserved in available vertebrate species. In addition, this alteration is predicted to be deleterious by in silico analysis. This variant is considered to be rare based on population cohorts in the Genome Aggregation Database (gnomAD). Based on the supporting evidence, this alteration is pathogenic for Loeys-Dietz syndrome; however, the association of this alteration with susceptibility to multiple self-healing squamous epithelioma is unknown.

Institute of Human Genetics, University of Leipzig Medical Center
Classification: Likely pathogenic for Loeys-Dietz syndrome 1. Last evaluated: 2025-06-25. Review status: criteria provided, single submitter. Criteria: ACMG Guidelines, 2015. Collection method: clinical testing. Allele origin: paternal. Inheritance: Autosomal dominant inheritance. Affected: yes.
Comment: Criteria applied: PS4,PM2_SUP,PP2,PP3

Blueprint Genetics
Classification: Pathogenic for TGFBR1-related disorders. Last evaluated: 2024-03-12. Review status: criteria provided, single submitter. Criteria: ACMG Guidelines, 2015. Collection method: clinical testing. Allele origin: germline. Affected: yes. Observed: 4 variant alleles.

Color Diagnostics, LLC DBA Color Health
Classification: Likely pathogenic for Familial thoracic aortic aneurysm and aortic dissection. Last evaluated: 2024-03-04. Review status: criteria provided, single submitter. Criteria: ACMG Guidelines, 2015. Collection method: clinical testing. Allele origin: germline.
Comment: This missense variant replaces glycine with serine at codon 312 of the TGFBR1 protein. Computational prediction suggests that this variant may have deleterious impact on protein structure and function. To our knowledge, functional studies have not been reported for this variant. This variant has been reported in an individual affected with Marfan syndrome with a family history of thoracic aortic aneurysm and dissection (PMID: 16799921) and in over 15 individuals affected with thoracic aortic aneurysm and dissection, including three related individuals (PMID: 19542084, 27879313, 30739908). This variant has also been identified in four individuals affected with Loeys-Dietz syndrome (PMID: 26877057, 26848186, 31915033, 36237225). This variant has been identified in 1/251070 chromosomes in the general population by the Genome Aggregation Database (gnomAD). Based on the available evidence, this variant is classified as Likely Pathogenic.

ARUP Laboratories, Molecular Genetics and Genomics, ARUP Laboratories
Classification: Likely pathogenic. Last evaluated: 2024-02-23. Review status: criteria provided, single submitter. Criteria: ARUP Molecular Germline Variant Investigation Process 2024. Collection method: clinical testing. Allele origin: germline.
Comment: The TGFBR1 c.934G>A; p.Gly312Ser variant (rs760079636) is reported in the literature in numerous individuals affected with symptoms of an aortopathy disorder and has been reported to segregate with disease in several small kindreds (Arnaud 2019, Jondeau 2016, Luo 2016, Nickol 2022, Singh 2006, Tran-Fadulu 2009, Yang 2020). This variant is only observed on one allele in the Genome Aggregation Database (v2.1.1), indicating it is not a common polymorphism. Computational analyses predict that this variant is deleterious (REVEL: 0.964). Based on available information, this variant is considered to be likely pathogenic. References: Arnaud et al. Genetic diversity and pathogenic variants as possible predictors of severity in a French sample of nonsyndromic heritable thoracic aortic aneurysms and dissections (nshTAAD). Genet Med. 2019 Sep;21(9):2015-2024. PMID: 30739908. Jondeau G et al. International Registry of Patients Carrying TGFBR1 or TGFBR2 Mutations: Results of the MAC (Montalcino Aortic Consortium). Circ Cardiovasc Genet. 2016 Dec;9(6):548-558. PMID: 27879313. Luo M et al. Genetic testing of 10 patients with features of Loeys-Dietz syndrome. Clin Chim Acta. 2016 May 1;456:144-148. PMID: 26877057. Nickol JL et al. Case report of Loeys-Dietz syndrome presenting with coronary artery aneurysm. Eur Heart J Case Rep. 2022 Sep 15;6(10):ytac383. PMID: 36237225. Singh KK et al. TGFBR1 and TGFBR2 mutations in patients with features of Marfan syndrome and Loeys-Dietz syndrome. Hum Mutat. 2006 Aug;27(8):770-7. PMID: 16799921. Tran-Fadulu V et al. Analysis of multigenerational families with thoracic aortic aneurysms and dissections due to TGFBR1 or TGFBR2 mutations. J Med Genet. 2009 Sep;46(9):607-13. PMID: 19542084. Yang H et al. Genetic profiling and cardiovascular phenotypic spectrum in a Chinese cohort of Loeys-Dietz syndrome patients. Orphanet J Rare Dis. 2020 Jan 8;15(1):6. PMID: 31915033.

Fulgent Genetics
Classification: Pathogenic for Multiple self-healing squamous epithelioma; Loeys-Dietz syndrome 1. Last evaluated: 2024-02-01. Review status: criteria provided, single submitter. Criteria: ACMG Guidelines, 2015. Collection method: clinical testing. Allele origin: germline.

NM_004612.4(TGFBR1):c.934G>A (p.Gly312Ser)

Gene: TGFBR1 (transforming growth factor beta receptor 1; plus strand). Cytogenetic location: 9q22.33.
Variant type: single nucleotide variant.
Coding change: c.934G>A on transcript NM_004612.4 (MANE Select); coding-DNA position 934, G replaced by A.
Protein change: p.Gly312Ser; replaces glycine 312 with serine.
Molecular consequence: missense variant.
Genome position (GRCh38, 1-based): chr9:99,142,664, G>A. VCF-style: chr9-99142664-G-A. GRCh37 (hg19) VCF-style: chr9-101904946-G-A.
Other names: p.G312S:GGT>AGT; c.946G>A (NM_001306210.1); c.934G>A (NM_004612.3); c.703G>A, p.Gly235Ser (NM_001130916.3); c.946G>A, p.Gly316Ser (NM_001306210.2); short protein forms G312S, G235S, G316S.
Identifiers: ClinVar variation 213882 (VCV000213882.55), dbSNP rs760079636, ClinGen allele CA043448.